The following is an entry in ClinVar:

ClinVar aggregate classification (germline): Uncertain significance. Review status: criteria provided, multiple submitters, no conflicts (2 of 4 stars). 2 submissions from 2 submitters: Uncertain significance (2). Last evaluated 2021-09-01.

Conditions:
Inborn genetic diseases. Identifiers: MedGen C0950123, MeSH D030342.
Lafora disease. Also called: Epilepsy progressive myoclonic 2. Identifiers: Orphanet 501, MedGen C0751783, MONDO:0009697.

Allele frequency attached by ClinVar (database versions not stated): gnomAD exomes 0.00001; ExAC 0.00002; TOPMed 0.00002; gnomAD 0.00003; 1000 Genomes Project 0.00020; 1000 Genomes Project 30x 0.00031.
gnomAD v4.1: 15 of 1,604,332 alleles (0.00093%); highest among the groups gnomAD compares: Admixed American, 0.02%; no homozygotes.

Submissions (2):

Labcorp Genetics (formerly Invitae), Labcorp
Classification: Uncertain significance for Lafora disease. Last evaluated: 2021-09-01. Review status: criteria provided, single submitter. Criteria: Invitae Variant Classification Sherloc (09022015). Collection method: clinical testing. Allele origin: germline.
Comment: This sequence change replaces alanine with threonine at codon 113 of the NHLRC1 protein (p.Ala113Thr). The alanine residue is moderately conserved and there is a small physicochemical difference between alanine and threonine. The frequency data for this variant in the population databases is considered unreliable, as metrics indicate poor data quality at this position in the ExAC database. This variant has not been reported in the literature in individuals affected with NHLRC1-related conditions. Algorithms developed to predict the effect of missense changes on protein structure and function output the following: SIFT: "Tolerated"; PolyPhen-2: "Benign"; Align-GVGD: "Class C0". The threonine amino acid residue is found in multiple mammalian species, which suggests that this missense change does not adversely affect protein function. In summary, the available evidence is currently insufficient to determine the role of this variant in disease. Therefore, it has been classified as a Variant of Uncertain Significance.

Ambry Genetics
Classification: Uncertain significance for Inborn genetic diseases. Last evaluated: 2020-12-03. Review status: criteria provided, single submitter. Criteria: Ambry Variant Classification Scheme 2023. Collection method: clinical testing. Allele origin: germline.
Comment: The c.337G>A (p.A113T) alteration is located in exon 1 (coding exon 1) of the NHLRC1 gene. This alteration results from a G to A substitution at nucleotide position 337, causing the alanine (A) at amino acid position 113 to be replaced by a threonine (T). The p.A113T alteration is predicted to be tolerated by in silico analysis. Based on insufficient or conflicting evidence, the clinical significance of this alteration remains unclear.

NM_198586.3(NHLRC1):c.337G>A (p.Ala113Thr)

Gene: NHLRC1 (NHL repeat containing E3 ubiquitin protein ligase 1; minus strand). Cytogenetic location: 6p22.3.
Variant type: single nucleotide variant.
Coding change: c.337G>A on transcript NM_198586.3 (MANE Select); coding-DNA position 337, G replaced by A.
Protein change: p.Ala113Thr; replaces alanine 113 with threonine.
Molecular consequence: missense variant.
Genome position (GRCh38, 1-based): chr6:18,122,270, C>T on the plus strand (G>A on the coding strand, the complement: NHLRC1 is on the minus strand). VCF-style: chr6-18122270-C-T. GRCh37 (hg19) VCF-style: chr6-18122501-C-T.
Other names: short protein forms A113T.
Identifiers: ClinVar variation 1042081 (VCV001042081.4), dbSNP rs570505924, ClinGen allele CA3650009.